The following is an entry in ClinVar:

ClinVar aggregate classification (germline): Pathogenic (1 of 4 stars; one submission).

Conditions:
Ehlers-Danlos syndrome, dermatosparaxis type. Also called: EDS VIIC; Dermatosparaxis; Ehlers-Danlos syndrome, type VII, autosomal recessive. Identifiers: Orphanet 1901, MedGen C2700425, MONDO:0009161, OMIM 225410.

Submission:

Myriad Genetics, Inc.
Classification: Pathogenic for Ehlers-Danlos syndrome, dermatosparaxis type. Last evaluated: 2023-09-27. Review status: criteria provided, single submitter. Criteria: Myriad Autosomal Dominant, Autosomal Recessive and X-Linked Classification Criteria (2023). Collection method: clinical testing. Allele origin: unknown.
Comment: NM_014244.4(ADAMTS2):c.431dupG(T145Hfs*60) is expected to be pathogenic in the context of Ehlers-Danlos syndrome, ADAMTS2-related. This variant is predicted to lead to an abnormal or absent protein product due to the creation of a premature termination codon in ADAMTS2, a gene where loss-of-function variants are known to be pathogenic. Please note: this variant was assessed in the context of healthy population screening.

NM_014244.5(ADAMTS2):c.431dup (p.Thr145fs)

Gene: ADAMTS2 (ADAM metallopeptidase with thrombospondin type 1 motif 2; minus strand). Cytogenetic location: 5q35.3.
Variant type: Duplication.
Coding change: c.431dup on transcript NM_014244.5 (MANE Select); coding-DNA position 431, one base duplicated (G; older notation c.431dupG).
Protein change: p.Thr145fs; shifts the reading frame from threonine 145.
Molecular consequence: frameshift variant.
Genome position (GRCh38, 1-based): chr5:179,343,870, C duplicated on the plus strand (G on the coding strand, the reverse complement: ADAMTS2 is on the minus strand); the first of 3 consecutive C bases (chr5:179,343,870-179,343,872); duplicating any one gives the same sequence. VCF-style (leftmost placement, unchanged base first): chr5-179343869-G-GC. GRCh37 (hg19) VCF-style: chr5-178770870-G-GC.
Other names: c.431dup, p.Thr145fs (NM_021599.4); short protein forms T145fs.
Identifiers: ClinVar variation 5012176 (VCV005012176.1).